The following is an entry in ClinVar:

NM_001917.5(DAO):c.723C>T (p.Ile241=)

Gene: DAO (D-amino acid oxidase; plus strand). Cytogenetic location: 12q24.11.
Variant type: single nucleotide variant.
Coding change: c.723C>T on transcript NM_001917.5 (MANE Select); coding-DNA position 723, C replaced by T.
Protein change: p.Ile241=; no amino-acid change (isoleucine 241 retained).
Molecular consequence: synonymous variant.
Genome position (GRCh38, 1-based): chr12:108,898,706, C>T. VCF-style: chr12-108898706-C-T. GRCh37 (hg19) VCF-style: chr12-109292482-C-T.
Identifiers: ClinVar variation 736769 (VCV000736769.28), dbSNP rs149956241, ClinGen allele CA6771219.

ClinVar aggregate classification (germline): Benign. Review status: criteria provided, multiple submitters, no conflicts (2 of 4 stars). 3 submissions from 3 submitters: Benign (2). 1 of the submissions does not count toward it. Last evaluated 2022-10-01.

Conditions:
DAO-related disorder. Also called: DAO-related condition.

Allele frequency attached by ClinVar (database versions not stated): 1000 Genomes Project 30x 0.00047; 1000 Genomes Project 0.00060; ESP Exome Variant Server 0.00092; TOPMed 0.00100; gnomAD exomes 0.00123 and 0.00154; ExAC 0.00133; gnomAD 0.00164 and 0.00173.
gnomAD v4.1: 2,447 of 1,613,294 alleles (0.15%); highest among the groups gnomAD compares: Non-Finnish European, 0.19%; 9 homozygotes.

Submissions (3):

CeGaT Center for Human Genetics Tuebingen
Classification: Benign. Last evaluated: 2022-10-01. Review status: criteria provided, single submitter. Criteria: CeGaT Center For Human Genetics Tuebingen Variant Classification Criteria Version 2. Collection method: clinical testing. Allele origin: germline. Affected: yes. Observed: 2 variant alleles.
Comment: DAO: BS1, BS2

Labcorp Genetics (formerly Invitae), Labcorp
Classification: Benign. Last evaluated: 2018-12-20. Review status: criteria provided, single submitter. Criteria: Invitae Variant Classification Sherloc (09022015). Collection method: clinical testing. Allele origin: germline.

PreventionGenetics, part of Exact Sciences
Classification: Likely benign for DAO-related condition. Last evaluated: 2019-04-09. Review status: no assertion criteria provided. Collection method: clinical testing. Allele origin: germline. Not counted in ClinVar's aggregate classification.
Comment: This variant is classified as likely benign based on ACMG/AMP sequence variant interpretation guidelines (Richards et al. 2015 PMID: 25741868, with internal and published modifications).